The following is an entry in ClinVar:

NM_000552.5(VWF):c.5851A>G (p.Thr1951Ala)

Gene: VWF (von Willebrand factor; minus strand). Cytogenetic location: 12p13.31.
Variant type: single nucleotide variant.
Coding change: c.5851A>G on transcript NM_000552.5 (MANE Select); coding-DNA position 5851, A replaced by G.
Protein change: p.Thr1951Ala; replaces threonine 1951 with alanine.
Molecular consequence: missense variant.
Genome position (GRCh38, 1-based): chr12:5,996,214, T>C on the plus strand (A>G on the coding strand, the complement: VWF is on the minus strand). VCF-style: chr12-5996214-T-C. GRCh37 (hg19) VCF-style: chr12-6105380-T-C.
Other names: p.T1951A; short protein forms T1951A.
Identifiers: ClinVar variation 619971 (VCV000619971.56), dbSNP rs144072210, ClinGen allele CA6402133.
Genomic context (GRCh38, chr12:5,996,214, plus strand): 5'-TGCCAGTCAGCTTGAAATTCTGCCCATCAAAGGTCACGATGTGCCGAGTGGAGCTGCCTG[T>C]GCACACGCCTGGACAGAGAGAAGCAGAGGATGGATGCGACGTTATCCAAACCCCCATGCC-3'
Protein context (NP_000543.3, residues 1941-1961): GCRWTCPCVC[Thr1951Ala]GSSTRHIVTF

ClinVar aggregate classification (germline): Conflicting classifications of pathogenicity. Review status: criteria provided, conflicting classifications (1 of 4 stars). 12 submissions from 12 submitters: Likely pathogenic (1); Uncertain significance (11). Last evaluated 2026-07-08.

Conditions:
von Willebrand disease type 1 (VWD1). Also called: VWD, TYPE 1; VON WILLEBRAND DISEASE, TYPE I. Identifiers: Orphanet 166078, Orphanet 903, MedGen C1264039, MONDO:0008668, OMIM 193400. Inheritance: autosomal recessive or autosomal dominant.
von Willebrand disease type 3 (VWD3). Also called: Type 3 Von Willebrand's disease; Type 3 VWD; Von Willebrand disease, severe form; V WD3; VON WILLEBRAND DISEASE, TYPE III. Identifiers: Orphanet 166096, MedGen C1264041, MONDO:0010191, OMIM 277480.
Hereditary von Willebrand disease. Identifiers: Orphanet 903, MedGen C5703318, MONDO:0019565. Inheritance: Autosomal recessive or Autosomal dominant.
von Willebrand disease type 2 (VWD2). Also called: VON WILLEBRAND DISEASE, TYPE 2A/IIE; VON WILLEBRAND DISEASE, TYPE 2CB; VWD, TYPE 2; VON WILLEBRAND DISEASE, TYPE II. Identifiers: Orphanet 166081, Orphanet 903, MedGen C1264040, MONDO:0013304, OMIM 613554.
Abnormality of coagulation. Identifiers: MedGen C1846821, HP:0001928.

Allele frequency attached by ClinVar (database versions not stated): TOPMed 0.00031; gnomAD exomes 0.00043 and 0.00056; gnomAD 0.00054 and 0.00056; ExAC 0.00068; ESP Exome Variant Server 0.00069.
gnomAD v4.1: 705 of 1,611,706 alleles (0.044%); highest among the groups gnomAD compares: Non-Finnish European, 0.049%; 1 homozygote.

Submissions (12):

GeneDx
Classification: Uncertain significance. Last evaluated: 2026-07-08. Review status: criteria provided, single submitter. Criteria: GeneDx Variant Classification Process June 2021. Collection method: clinical testing. Allele origin: germline.
Comment: Reported in association with von Willebrand disease in the published literature (PMID: 21534937, 33556167, 31249928); In silico analysis suggests that this missense variant does not alter protein structure/function; This variant is associated with the following publications: (PMID: 21534937, 34426522, 31064749, 31249928, 33556167, 29590070, 16321553, 37647632, 41300788)

Women's Health and Genetics/Laboratory Corporation of America, LabCorp
Classification: Uncertain significance. Last evaluated: 2026-06-12. Review status: criteria provided, single submitter. Criteria: LabCorp Variant Classification Summary - May 2015. Collection method: clinical testing. Allele origin: germline.
Comment: Variant summary: VWF c.5851A>G (p.Thr1951Ala) results in a non-conservative amino acid change located in the von Willebrand factor, type D domain (IPR001846) of the encoded protein sequence. Algorithms developed to predict the effects of missense changes on protein structure and function are either unavailable or disagree on the potential impact of these changes. The variant allele was found at a frequency of 0.00056 in 247230 control chromosomes, predominantly at a frequency of 0.00089 within the Non-Finnish European subpopulation in the gnomAD database. This frequency is not significantly higher than the estimate for disease-causing variants in VWF, so no conclusion can be drawn about variant significance. c.5851A>G has been observed in multiple heterozygous individual(s) with VWF-related conditions (Kakela_2006, Johansson_2011, Bastarache_2018, Downes_2019, Sadler_2021). The variant was also found occurring in unaffected family members (Kakela_2006) and in unrelated individuals without disease (Sadler_2021). These data do not allow any conclusion about variant significance. To our knowledge, no experimental evidence demonstrating an impact on protein function has been reported. The following publications have been ascertained in the context of this evaluation (PMID: 31064749, 33556167, 16321553, 29590070, 21534937). ClinVar contains an entry for this variant (Variation ID: 619971). Based on the evidence outlined above, the variant was classified as uncertain significance.

Quest Diagnostics Nichols Institute San Juan Capistrano
Classification: Uncertain significance. Last evaluated: 2025-02-21. Review status: criteria provided, single submitter. Criteria: Quest Diagnostics criteria. Collection method: clinical testing. Allele origin: unknown.
Comment: The VWF c.5851A>G (p.Thr1951Ala) variant has been reported in the published literature in individuals affected with Type 1 (PMID: 21534937 (2011), 31249928 (2018)) and Type 2 von Willebrand Disease (vWD) (PMID: 33556167 (2021)). The frequency of this variant in the general population (Genome Aggregation Database) is uninformative in the assessment of its pathogenicity. Analysis of this variant using bioinformatics tools for the prediction of the effect of amino acid changes on protein structure and function yielded conflicting predictions that this variant is benign or damaging. Based on the available information, we are unable to determine the clinical significance of this variant.

Institute of Human Genetics, University of Leipzig Medical Center
Classification: Uncertain significance for von Willebrand disease type 1. Last evaluated: 2024-11-14. Review status: criteria provided, single submitter. Criteria: ACMG Guidelines, 2015. Collection method: clinical testing. Allele origin: unknown. Inheritance: Autosomal dominant inheritance. Affected: yes.
Comment: Criteria applied: PS4_SUP,PP2

Blueprint Genetics
Classification: Uncertain significance. Last evaluated: 2024-10-16. Review status: criteria provided, single submitter. Criteria: ACMG Guidelines, 2015. Collection method: clinical testing. Allele origin: germline.

Baylor Genetics
Classification: Uncertain significance for von Willebrand disease type 2. Last evaluated: 2022-04-26. Review status: criteria provided, single submitter. Criteria: ACMG Guidelines, 2015. Collection method: clinical testing. Allele origin: unknown.

Laboratory of Hematology, Radboud University Medical Center
Classification: Uncertain significance for von Willebrand disease type 1. Last evaluated: 2022-04-12. Review status: criteria provided, single submitter. Criteria: ACMG Guidelines, 2015. Collection method: research. Allele origin: germline. Affected: yes. Observed: 2 variant alleles. Study: WIN study.

Department of Pathology and Laboratory Medicine, Sinai Health System
Classification: Uncertain significance for von Willebrand disease type 1; von Willebrand disease type 3. Last evaluated: 2022-04-02. Review status: criteria provided, single submitter. Criteria: ACMG Guidelines, 2015. Collection method: research. Allele origin: germline.

Victorian Clinical Genetics Services, Murdoch Childrens Research Institute
Classification: Uncertain significance for Hereditary von Willebrand disease. Last evaluated: 2020-10-19. Review status: criteria provided, single submitter. Criteria: ACMG Guidelines, 2015. Collection method: clinical testing. Allele origin: germline.
Comment: Based on the classification scheme VCGS_Germline_v1.3.4, this variant is classified as VUS. Following criteria are met: 0103 - Dominant negative and loss of function are known mechanisms of disease in this gene and are associated with von Willebrand disease (VWD) (OMIM). (I) 0108 - This gene is associated with both recessive and dominant disease. VWD can be both dominantly and recessively inherited, and is categorised into 6 different types: 1 (MIM#193400), 2A, 2B, 2M, 2N (MIM#613554) and 3 (MIM#277480). (I) 0112 - The condition associated with this gene has incomplete penetrance (PMID: 19372260). (I) 0115 - Variants in this gene are known to have variable expressivity. (I) 0200 - Variant is predicted to result in a missense amino acid change from threonine to alanine. (I) 0251 - This variant is heterozygous. (I) 0302 - Variant is present in gnomAD (v2) <0.001 for a dominant condition (182 heterozygotes, 0 homozygotes). (SP) 0309 - An alternative amino acid change at the same position has been observed in gnomAD (v2) (1 heterozygote, 0 homozygotes). (I) 0503 - Missense variant consistently predicted to be tolerated by multiple in silico tools or not conserved in placental mammals with a minor amino acid change. (SB) 0600 - Variant is located in the annotated von Willebrand factor type D domain (PDB). (I) 0705 - No comparable missense variants have previous evidence for pathogenicity. (I) 0808 - Previous reports of pathogenicity for this variant are conflicting. This variant has been reported multiple times as a VUS, once as likely benign and once as likely pathogenic. It has been observed in a patient with type I VWD and another with a bleeding disorder cohort (ClinVar, LOVD, PMID: 31064749, PMID: 29590070, PMID: 31249928). (I) 1208 - Inheritance information for this variant is not currently available in this individual. (I) Legend: (SP) - Supporting pathogenic, (I) - Information, (SB) - Supporting benign

CeGaT Center for Human Genetics Tuebingen
Classification: Uncertain significance. Last evaluated: 2019-06-01. Review status: criteria provided, single submitter. Criteria: CeGaT Center For Human Genetics Tuebingen Variant Classification Criteria Version 2. Collection method: clinical testing. Allele origin: germline. Affected: yes. Observed: 2 variant alleles.

NIHR Bioresource Rare Diseases, University of Cambridge
Classification: Likely pathogenic for Abnormality of coagulation. Last evaluated: 2019-02-01. Review status: criteria provided, single submitter. Criteria: ACMG Guidelines, 2015. Collection method: research. Allele origin: unknown. Affected: yes. Observed: 1 heterozygote. Study: ThromboGenomics.

Center for Precision Medicine, Vanderbilt University Medical Center
Classification: Uncertain significance for von Willebrand disease type 3. Last evaluated: 2018-03-16. Review status: criteria provided, single submitter. Criteria: ACMG Guidelines, 2015. Collection method: research. Allele origin: germline. Inheritance: Autosomal recessive inheritance. Observed: 21 variant alleles, 21 heterozygotes. Clinical features observed: thrombocytopenia, abnormal coagulation profile.

Literature cited by the submitters: PubMed 31064749 (cited by 4 submitters); PubMed 33556167 (cited by Women's Health and Genetics/Laboratory Corporation of America, LabCorp and Quest Diagnostics Nichols Institute San Juan Capistrano); PubMed 16321553 (cited by Women's Health and Genetics/Laboratory Corporation of America, LabCorp and Quest Diagnostics Nichols Institute San Juan Capistrano); PubMed 29590070 (cited by Women's Health and Genetics/Laboratory Corporation of America, LabCorp and Victorian Clinical Genetics Services, Murdoch Childrens Research Institute); PubMed 21534937 (cited by Women's Health and Genetics/Laboratory Corporation of America, LabCorp and Quest Diagnostics Nichols Institute San Juan Capistrano); PubMed 31249928 (cited by Quest Diagnostics Nichols Institute San Juan Capistrano and Victorian Clinical Genetics Services, Murdoch Childrens Research Institute); PubMed 19372260 (cited by Victorian Clinical Genetics Services, Murdoch Childrens Research Institute).